The following is an entry in ClinVar:

ClinVar aggregate classification (germline): Pathogenic/Likely pathogenic. Review status: criteria provided, multiple submitters, no conflicts (2 of 4 stars). 3 submissions from 3 submitters: Pathogenic (2); Likely pathogenic (1). Last evaluated 2024-10-01.

Conditions:
COL18A1-related disorder. Also called: COL18A1-related condition; COL18A1-related disorders.
Knobloch syndrome 1 (KNO1). Identifiers: MedGen C4551775, MONDO:0800167, OMIM 267750.

Submissions (3):

Blueprint Genetics
Classification: Likely pathogenic for COL18A1-related disorders. Last evaluated: 2024-10-01. Review status: criteria provided, single submitter. Criteria: ACMG Guidelines, 2015. Collection method: clinical testing. Allele origin: germline. Affected: yes. Observed: 4 variant alleles.

Labcorp Genetics (formerly Invitae), Labcorp
Classification: Pathogenic. Last evaluated: 2024-04-12. Review status: criteria provided, single submitter. Criteria: Invitae Variant Classification Sherloc (09022015). Collection method: clinical testing. Allele origin: germline.
Comment: This sequence change creates a premature translational stop signal (p.Gln230Profs*14) in the COL18A1 gene. It is expected to result in an absent or disrupted protein product. Loss-of-function variants in COL18A1 are known to be pathogenic (PMID: 12415512, 25456301). This variant is not present in population databases (gnomAD no frequency). This variant has not been reported in the literature in individuals affected with COL18A1-related conditions. ClinVar contains an entry for this variant (Variation ID: 866461). For these reasons, this variant has been classified as Pathogenic.

Victorian Clinical Genetics Services, Murdoch Childrens Research Institute
Classification: Pathogenic for Knobloch syndrome 1. Last evaluated: 2023-07-17. Review status: criteria provided, single submitter. Criteria: ACMG Guidelines, 2015. Collection method: clinical testing. Allele origin: germline. Inheritance: Autosomal recessive inheritance. Affected: yes.
Comment: Based on the classification scheme VCGS_Germline_v1.3.4, this variant is classified as Pathogenic. Following criteria are met: 0102 - Loss of function is a known mechanism of disease in this gene and is associated with Knobloch syndrome, type 1 (MIM# 267750). (I) 0106 - This gene is associated with autosomal recessive disease. (I) 0115 - Variants in this gene are known to have variable expressivity. Occipital anomalies can range in severity (PMID: 33238767) or may not be evident (PMID: 35387550). The associated ocular features can be variable (PMID: 33238767). (I) 0201 - Variant is predicted to cause nonsense-mediated decay (NMD) and loss of protein (premature termination codon is located at least 54 nucleotides upstream of the final exon-exon junction). (SP) 0251 - This variant is heterozygous. (I) 0304 - Variant is present in gnomAD <0.01 for a recessive condition (v3 - 5 heterozygotes, 0 homozygotes). (SP) 0701 - Other variants comparable to the one identified in this case have very strong previous evidence for pathogenicity. Multiple NMD-predicted variants have been reported homozygous or compound heterozygous in individuals with Knobloch syndrome type 1 and/or its associated features (DECIPHER, ClinVar). (SP) 0803 - This variant has limited previous evidence of pathogenicity in unrelated individuals. It has been reported previously as likely pathogenic in an individual with retinal dystrophy (ClinVar). (SP) 0905 - No published segregation evidence has been identified for this variant. (I) 1007 - No published functional evidence has been identified for this variant. (I) 1102 - Strong phenotype match for this individual. (SP) 1208 - Inheritance information for this variant is not currently available in this individual. (I) Legend: (SP) - Supporting pathogenic, (I) - Information, (SB) - Supporting benign

Literature cited by the submitters: PubMed 12415512 (cited by Labcorp Genetics (formerly Invitae), Labcorp); PubMed 25456301 (cited by Labcorp Genetics (formerly Invitae), Labcorp); PubMed 12766032 (cited by Victorian Clinical Genetics Services, Murdoch Childrens Research Institute); PubMed 33238767 (cited by Victorian Clinical Genetics Services, Murdoch Childrens Research Institute); PubMed 35387550 (cited by Victorian Clinical Genetics Services, Murdoch Childrens Research Institute).

NM_001379500.1(COL18A1):c.688dup (p.Gln230fs)

Gene: COL18A1 (collagen type XVIII alpha 1 chain; plus strand). Cytogenetic location: 21q22.3.
Variant type: Duplication.
Coding change: c.688dup on transcript NM_001379500.1 (MANE Select); coding-DNA position 688, one base duplicated (C; older notation c.688dupC).
Protein change: p.Gln230fs; shifts the reading frame from glutamine 230.
Molecular consequence: frameshift variant.
Genome position (GRCh38, 1-based): chr21:45,473,931, C duplicated; the last of 5 consecutive C bases (chr21:45,473,927-45,473,931); duplicating any one gives the same sequence. VCF-style (leftmost placement, unchanged base first): chr21-45473926-A-AC. GRCh37 (hg19) VCF-style: chr21-46893840-A-AC.
Other names: NM_130445.2:c.688dup; c.1228dup, p.Gln410fs (NM_030582.4); c.1933dup, p.Gln645fs (NM_130444.3); c.1933dupC (NM_130444.2); short protein forms Q645fs, Q410fs, Q230fs.
Identifiers: ClinVar variation 866461 (VCV000866461.8), dbSNP rs756223600, ClinGen allele CA10065846.
Genomic context (GRCh38, chr21:45,473,926, plus strand): 5'-TGGTGACCCCTTTCTCTGTCTGCATTTAGGGGGTGATCGCTGAGCTGAAGGTGCGCAGGG[A>AC]CCCCCAGGTGAGCCCCATGCACTGCCTGGACGAGGAAGGCGATGACTCAGATGGGGTGAG-3'